The following is an entry in ClinVar:

ClinVar aggregate classification (germline): Likely pathogenic. Review status: criteria provided, single submitter (1 of 4 stars). 2 submissions from 2 submitters: Likely pathogenic (1). 1 of the submissions does not count toward it. Last evaluated 2018-03-16.

Conditions:
Hereditary cancer-predisposing syndrome. Also called: Hereditary Cancer Syndrome; Hereditary neoplastic syndrome; Neoplastic Syndromes, Hereditary; Tumor predisposition. Identifiers: Orphanet 140162, MedGen C0027672, MeSH D009386, MONDO:0015356.
Familial cancer of breast. Also called: hereditary breast carcinoma; BREAST CANCER, FAMILIAL; Hereditary breast cancer. Identifiers: Orphanet 227535, MedGen C0346153, MONDO:0016419, OMIM 114480. Disease mechanism: loss of function.

Submissions (3):

Ambry Genetics
Classification: Likely pathogenic for Hereditary cancer-predisposing syndrome. Last evaluated: 2018-03-16. Review status: criteria provided, single submitter. Criteria: Ambry Variant Classification Scheme 2023. Collection method: clinical testing. Allele origin: germline.
Comment: The c.5194-2A>C intronic variant results from an A to C substitution two nucleotides upstream from coding exon 18 in the BRCA1 gene. This nucleotide position is highly conserved in available vertebrate species. Using the BDGP and ESEfinder splice site prediction tools, this alteration is predicted to abolish the native splice acceptor site; however, direct evidence is unavailable. Alterations that disrupt the canonical splice site are expected to cause aberrant splicing, resulting in an abnormal protein or a transcript that is subject to nonsense-mediated mRNA decay. As such, this alteration is classified as likely pathogenic.

Brotman Baty Institute, University of Washington
No classification provided (evidence only). Condition: Breast-ovarian cancer, familial 1. Review status: no classification provided. Collection method: in vitro. Allele origin: not applicable. Functional consequence: functionally_abnormal. Not counted in ClinVar's aggregate classification.
ClinVar note: "not provided" was previously submitted as the classification for the variant. However, the classification appeared to be based only on an observation of functional data so it was converted to no classification on 2025-07-30.

ClinVar Staff, National Center for Biotechnology Information (NCBI)
No classification provided. Condition: Familial cancer of breast. Review status: no classification provided. Collection method: literature only. Allele origin: germline. Affected: yes. Not counted in ClinVar's aggregate classification.

Literature cited by the submitters: PubMed 22333603 (cited by Ambry Genetics and ClinVar Staff, National Center for Biotechnology Information (NCBI)).

NM_007294.4(BRCA1):c.5194-2A>C

Gene: BRCA1 (BRCA1 DNA repair associated; minus strand). Cytogenetic location: 17q21.31.
Variant type: single nucleotide variant.
Coding change: c.5194-2A>C on transcript NM_007294.4 (MANE Select); the canonical splice acceptor site of the intron before coding-DNA position 5194, A replaced by C.
Molecular consequence: splice acceptor variant.
Genome position (GRCh38, 1-based): chr17:43,057,137, T>G on the plus strand (A>C on the coding strand, the complement: BRCA1 is on the minus strand). VCF-style: chr17-43057137-T-G. GRCh37 (hg19) VCF-style: chr17-41209154-T-G.
Other names: c.1621-2A>C (NM_001408499.1, NM_001408496.1, NM_001408498.1 and 3 more transcripts); c.4927-2A>C (NM_001407933.1, NM_001407927.1, NM_001407930.1 and 4 more transcripts); c.4930-2A>C (NM_001407923.1, NM_001407920.1, NM_001407924.1 and 4 more transcripts); c.5050-2A>C (NM_001407739.1, NM_001407733.1, NM_001407751.1 and 21 more transcripts); c.5053-2A>C (NM_001407725.1, NM_001407727.1, NM_001407724.1 and 13 more transcripts); c.1765-2A>C (NM_001408422.1, NM_001408424.1, NM_001408423.1 and 1 more transcripts); c.4981-2A>C (NM_001407896.1, NM_001407900.1, NM_001407895.1 and 12 more transcripts); c.4858-2A>C (NM_001407952.1, NM_001407951.1, NM_001407950.1 and 3 more transcripts); and 72 more.
Identifiers: ClinVar variation 55452 (VCV000055452.9), dbSNP rs80358069, ClinGen allele CA003346.